The following is an entry in ClinVar:

ClinVar aggregate classification (germline): Conflicting classifications of pathogenicity. Review status: criteria provided, conflicting classifications (1 of 4 stars). 5 submissions from 5 submitters: Uncertain significance (4); Likely benign (1). Last evaluated 2025-12-26.

Conditions:
Hereditary spastic paraplegia 11. Also called: Spastic Paraplegia 11; SPASTIC PARAPLEGIA, AUTOSOMAL RECESSIVE, COMPLICATED, WITH THIN CORPUS CALLOSUM; SPASTIC PARAPLEGIA, AUTOSOMAL RECESSIVE, WITH MENTAL IMPAIRMENT AND THIN CORPUS CALLOSUM; Nakamura Osame syndrome; Autosomal recessive hereditary spastic paraplegia, mental impairment, and thin corpus callosum; Spastic paraplegia, mental retardation and thin corpus callosum. Identifiers: Orphanet 2822, MedGen C1858479, MONDO:0011445, OMIM 604360.
Amyotrophic lateral sclerosis type 5 (ALS5). Also called: AMYOTROPHIC LATERAL SCLEROSIS 5, JUVENILE. Identifiers: Orphanet 300605, MedGen C1865864, MONDO:0011196, OMIM 602099.
Charcot-Marie-Tooth disease axonal type 2X. Also called: CHARCOT-MARIE-TOOTH DISEASE, AXONAL, AUTOSOMAL RECESSIVE, TYPE 2X; CHARCOT-MARIE-TOOTH NEUROPATHY, TYPE 2X. Identifiers: Orphanet 466775, MedGen C5569024, MONDO:0014726, OMIM 616668.
Inborn genetic diseases. Identifiers: MedGen C0950123, MeSH D030342.

Allele frequency attached by ClinVar (database versions not stated): gnomAD exomes 0.00001 and 0.00003; ExAC 0.00005; gnomAD 0.00016 and 0.00014; TOPMed 0.00017; 1000 Genomes Project 0.00020; 1000 Genomes Project 30x 0.00016.
gnomAD v4.1: 39 of 1,614,084 alleles (0.0024%); highest among the groups gnomAD compares: African/African-American, 0.043%; no homozygotes.

Submissions (5):

Labcorp Genetics (formerly Invitae), Labcorp
Classification: Likely benign for Hereditary spastic paraplegia 11. Last evaluated: 2025-12-26. Review status: criteria provided, single submitter. Criteria: Invitae Variant Classification Sherloc (09022015). Collection method: clinical testing. Allele origin: germline.

GeneDx
Classification: Uncertain significance. Last evaluated: 2024-10-19. Review status: criteria provided, single submitter. Criteria: GeneDx Variant Classification Process June 2021. Collection method: clinical testing. Allele origin: germline. Affected: yes.
Comment: In silico analysis indicates that this missense variant does not alter protein structure/function; Has not been previously published as pathogenic or benign to our knowledge

Ambry Genetics
Classification: Uncertain significance for Inborn genetic diseases. Last evaluated: 2024-05-26. Review status: criteria provided, single submitter. Criteria: Ambry Variant Classification Scheme 2023. Collection method: clinical testing. Allele origin: germline.

Mayo Clinic Laboratories, Mayo Clinic
Classification: Uncertain significance. Last evaluated: 2023-09-05. Review status: criteria provided, single submitter. Criteria: ACMG Guidelines, 2015. Collection method: clinical testing. Allele origin: germline. Observed: 2 variant alleles.
Comment: PM2

Fulgent Genetics
Classification: Uncertain significance for Amyotrophic lateral sclerosis type 5; Hereditary spastic paraplegia 11; Charcot-Marie-Tooth disease axonal type 2X. Last evaluated: 2022-02-24. Review status: criteria provided, single submitter. Criteria: ACMG Guidelines, 2015. Collection method: clinical testing. Allele origin: unknown.

NM_025137.4(SPG11):c.5969A>G (p.Tyr1990Cys)

Gene: SPG11 (SPG11 vesicle trafficking associated, spatacsin; minus strand). Cytogenetic location: 15q21.1.
Variant type: single nucleotide variant.
Coding change: c.5969A>G on transcript NM_025137.4 (MANE Select); coding-DNA position 5969, A replaced by G.
Protein change: p.Tyr1990Cys; replaces tyrosine 1990 with cysteine.
Molecular consequence: missense variant. On other transcripts: intron variant (1).
Genome position (GRCh38, 1-based): chr15:44,574,939, T>C on the plus strand (A>G on the coding strand, the complement: SPG11 is on the minus strand). VCF-style: chr15-44574939-T-C. GRCh37 (hg19) VCF-style: chr15-44867137-T-C.
Other names: p.Tyr1990Cys; c.5867-2119A>G (NM_001160227.2); short protein forms Y1990C.
Identifiers: ClinVar variation 565811 (VCV000565811.15), dbSNP rs199920965, ClinGen allele CA7534300.